The following is an entry in ClinVar:

ClinVar aggregate classification (germline): Conflicting classifications of pathogenicity. Review status: criteria provided, conflicting classifications (1 of 4 stars). 2 submissions from 2 submitters: Uncertain significance (1); Likely benign (1). Last evaluated 2025-10-18.

Conditions:
Inborn genetic diseases. Identifiers: MedGen C0950123, MeSH D030342.

gnomAD v4.1: 23 of 1,613,766 alleles (0.0014%); highest among the groups gnomAD compares: South Asian, 0.019%; no homozygotes.

Submissions (2):

Dasa
Classification: Uncertain significance. Last evaluated: 2025-10-18. Review status: criteria provided, single submitter. Criteria: DASA Assertion Criteria. Collection method: clinical testing. Allele origin: germline.
Comment: NM_207421.4(PADI6):c.670T>C (p.Trp224Arg) is a missense variant that results in the substitution of tryptophan with arginine. This variant is rare in population databases. The currently available literature and clinical evidence are not sufficient to establish a definitive association between this variant and the reported condition. Therefore, this variant is classified as a variant of uncertain significance.

Ambry Genetics
Classification: Likely benign for Inborn genetic diseases. Last evaluated: 2025-08-26. Review status: criteria provided, single submitter. Criteria: Ambry Variant Classification Scheme 2023. Collection method: clinical testing. Allele origin: germline.

NM_207421.4(PADI6):c.670T>C (p.Trp224Arg)

Genes: PADI6 (peptidyl arginine deiminase 6; plus strand), LOC126805634 (CDK7 strongly-dependent group 2 enhancer GRCh37_chr1:17707761-17708960; plus strand). Cytogenetic location: 1p36.13.
Variant type: single nucleotide variant.
Coding change: c.670T>C on transcript NM_207421.4 (MANE Select); coding-DNA position 670, T replaced by C.
Protein change: p.Trp224Arg; replaces tryptophan 224 with arginine.
Molecular consequence: missense variant.
Genome position (GRCh38, 1-based): chr1:17,382,083, T>C. VCF-style: chr1-17382083-T-C. GRCh37 (hg19) VCF-style: chr1-17708578-T-C.
Other names: short protein forms W224R.
Identifiers: ClinVar variation 4130108 (VCV004130108.3).